The following is an entry in ClinVar:

ClinVar aggregate classification (germline): Uncertain significance (1 of 4 stars; one submission).

Submission:

Labcorp Genetics (formerly Invitae), Labcorp
Classification: Uncertain significance. Last evaluated: 2025-11-18. Review status: criteria provided, single submitter. Criteria: Invitae Variant Classification Sherloc (09022015). Collection method: clinical testing. Allele origin: germline.
Comment: This variant, c.2752_2754del, results in the deletion of 1 amino acid(s) of the DUOX2 protein (p.Glu918del), but otherwise preserves the integrity of the reading frame. This variant is not present in population databases (gnomAD no frequency). This variant has not been reported in the literature in individuals affected with DUOX2-related conditions. Experimental studies and prediction algorithms are not available or were not evaluated, and the functional significance of this variant is currently unknown. In summary, the available evidence is currently insufficient to determine the role of this variant in disease. Therefore, it has been classified as a Variant of Uncertain Significance.

NM_001363711.2(DUOX2):c.2749GAG[1] (p.Glu918del)

Gene: DUOX2 (dual oxidase 2; minus strand). Cytogenetic location: 15q21.1.
Variant type: Microsatellite.
Coding change: c.2749GAG[1] on transcript NM_001363711.2 (MANE Select); one copy of the 3-base unit GAG starting at c.2749; the reference has two copies in a row; one copy, 3 bases deleted.
Protein change: p.Glu918del; deletes glutamic acid 918.
Molecular consequence: inframe deletion.
Genome position (GRCh38, 1-based): chr15:45,101,890-45,101,892, CTC deleted on the plus strand (GAG on the coding strand, the reverse complement: DUOX2 is on the minus strand); deleting any 3 consecutive bases within chr15:45,101,890-45,101,897 gives the same sequence; the position shown is the placement nearest the transcript's 3' end. VCF-style (leftmost placement, unchanged base first): chr15-45101889-GCTC-G. GRCh37 (hg19) VCF-style: chr15-45394087-GCTC-G.
Other names: c.2749GAG[1], p.Glu918del (NM_014080.5); short protein forms E918del.
Identifiers: ClinVar variation 4730840 (VCV004730840.1).